The following is an entry in ClinVar:

ClinVar aggregate classification (germline): Conflicting classifications of pathogenicity. Review status: criteria provided, conflicting classifications (1 of 4 stars). 2 submissions from 2 submitters: Likely pathogenic (1); Uncertain significance (1). Last evaluated 2024-10-11.

Conditions:
Hereditary cancer-predisposing syndrome. Also called: Tumor predisposition; Neoplastic Syndromes, Hereditary; Hereditary Cancer Syndrome; Hereditary neoplastic syndrome. Identifiers: Orphanet 140162, MedGen C0027672, MeSH D009386, MONDO:0015356.
Familial thoracic aortic aneurysm and aortic dissection (TAAD). Also called: Thoracic aortic aneurysms and dissections. Identifiers: Orphanet 91387, MedGen C4707243, MONDO:0019625.
Juvenile polyposis syndrome (JPS). Identifiers: Orphanet 2929, MedGen C0345893, MONDO:0017380, OMIM 174900.

Submissions (2):

Ambry Genetics
Classification: Likely pathogenic for Hereditary cancer-predisposing syndrome; Familial thoracic aortic aneurysm and aortic dissection. Last evaluated: 2024-10-11. Review status: criteria provided, single submitter. Criteria: Ambry Variant Classification Scheme 2023. Collection method: clinical testing. Allele origin: germline.
Comment: The c.210A>G variant (also known as p.K70K), located in coding exon 1 of the SMAD4 gene, results from an A to G substitution at nucleotide position 210. This nucleotide substitution does not change the lysine at codon 70. This nucleotide position is not well conserved in available vertebrate species. In silico splice site analysis predicts that this alteration will result in the creation or strengthening of a novel splice donor site. RNA studies have demonstrated that this alteration results in abnormal splicing by RNAInsight and an orthogonal assay in the set of samples tested (Ambry internal data). Based on the majority of available evidence to date, this variant is likely to be pathogenic.

Labcorp Genetics (formerly Invitae), Labcorp
Classification: Uncertain significance for Juvenile polyposis syndrome. Last evaluated: 2023-01-31. Review status: criteria provided, single submitter. Criteria: Invitae Variant Classification Sherloc (09022015). Collection method: clinical testing. Allele origin: germline.
Comment: This sequence change affects codon 70 of the SMAD4 mRNA. It is a 'silent' change, meaning that it does not change the encoded amino acid sequence of the SMAD4 protein. This variant is not present in population databases (gnomAD no frequency). This variant has not been reported in the literature in individuals affected with SMAD4-related conditions. ClinVar contains an entry for this variant (Variation ID: 1786045). Algorithms developed to predict the effect of sequence changes on RNA splicing suggest that this variant may create or strengthen a splice site. In summary, the available evidence is currently insufficient to determine the role of this variant in disease. Therefore, it has been classified as a Variant of Uncertain Significance.

NM_005359.6(SMAD4):c.210A>G (p.Lys70=)

Gene: SMAD4 (SMAD family member 4; plus strand). Cytogenetic location: 18q21.2.
Variant type: single nucleotide variant.
Coding change: c.210A>G on transcript NM_005359.6 (MANE Select); coding-DNA position 210, A replaced by G.
Protein change: p.Lys70=; no amino-acid change (lysine 70 retained).
Molecular consequence: synonymous variant. On other transcripts: non-coding transcript variant (2).
Genome position (GRCh38, 1-based): chr18:51,047,256, A>G. VCF-style: chr18-51047256-A-G. GRCh37 (hg19) VCF-style: chr18-48573626-A-G.
Other names: c.210A>G, p.Lys70= (NM_001407041.1, NM_001407042.1, NM_001407043.1).
Identifiers: ClinVar variation 1786045 (VCV001786045.6), dbSNP rs2144401714, ClinGen allele CA503873494.
Genomic context (GRCh38, chr18:51,047,256, plus strand): 5'-AAAAGATGAATTGGATTCTTTAATAACAGCTATAACTACAAATGGAGCTCATCCTAGTAA[A>G]TGTGTTACCATACAGAGAACATTGGATGGGAGGCTTCAGGTTAGTCTTATAAGAGTTTTT-3'
Protein context (NP_005350.1, residues 60-80): AITTNGAHPS[Lys70=]CVTIQRTLDG